The following is an entry in ClinVar:

NM_020831.6(MRTFA):c.1274C>T (p.Pro425Leu)

Gene: MRTFA (myocardin related transcription factor A; minus strand). Cytogenetic location: 22q13.1.
Variant type: single nucleotide variant.
Coding change: c.1274C>T on transcript NM_020831.6 (MANE Select); coding-DNA position 1274, C replaced by T.
Protein change: p.Pro425Leu; replaces proline 425 with leucine.
Molecular consequence: missense variant.
Genome position (GRCh38, 1-based): chr22:40,420,484, G>A on the plus strand (C>T on the coding strand, the complement: MRTFA is on the minus strand). VCF-style: chr22-40420484-G-A. GRCh37 (hg19) VCF-style: chr22-40816488-G-A.
Other names: c.974C>T, p.Pro325Leu (NM_001282660.2); c.1124C>T, p.Pro375Leu (NM_001282661.3); c.1274C>T, p.Pro425Leu (NM_001282662.3); c.1079C>T, p.Pro360Leu (NM_001318139.2); c.974C>T (NM_020831.3); short protein forms P325L, P360L, P375L, P425L.
Identifiers: ClinVar variation 1683095 (VCV001683095.9), dbSNP rs140469890, ClinGen allele CA10249720.

ClinVar aggregate classification (germline): Uncertain significance. Review status: criteria provided, multiple submitters, no conflicts (2 of 4 stars). 2 submissions from 2 submitters: Uncertain significance (2). Last evaluated 2025-07-30.

Allele frequency attached by ClinVar (database versions not stated): gnomAD 0.00001; gnomAD exomes 0.00001 and 0.00003; TOPMed 0.00001; ExAC 0.00002; ESP Exome Variant Server 0.00008.
gnomAD v4.1: 50 of 1,613,662 alleles (0.0031%); highest among the groups gnomAD compares: Non-Finnish European, 0.0038%; no homozygotes.

Submissions (2):

Labcorp Genetics (formerly Invitae), Labcorp
Classification: Uncertain significance. Last evaluated: 2025-07-30. Review status: criteria provided, single submitter. Criteria: Invitae Variant Classification Sherloc (09022015). Collection method: clinical testing. Allele origin: germline.
Comment: This sequence change replaces proline, which is neutral and non-polar, with leucine, which is neutral and non-polar, at codon 325 of the MKL1 protein (p.Pro325Leu). This variant is present in population databases (rs140469890, gnomAD 0.003%). This variant has not been reported in the literature in individuals affected with MKL1-related conditions. ClinVar contains an entry for this variant (Variation ID: 1683095). An algorithm developed to predict the effect of missense changes on protein structure and function (PolyPhen-2) suggests that this variant is likely to be disruptive. In summary, the available evidence is currently insufficient to determine the role of this variant in disease. Therefore, it has been classified as a Variant of Uncertain Significance.

Ambry Genetics
Classification: Uncertain significance. Last evaluated: 2025-04-03. Review status: criteria provided, single submitter. Criteria: Ambry Variant Classification Scheme 2023. Collection method: clinical testing. Allele origin: germline.